The following is an entry in ClinVar:

NM_001368809.2(AMPD2):c.531+2T>G

Gene: AMPD2 (adenosine monophosphate deaminase 2; plus strand). Cytogenetic location: 1p13.3.
Variant type: single nucleotide variant.
Coding change: c.531+2T>G on transcript NM_001368809.2 (MANE Select); the canonical splice donor site of the intron after coding-DNA position 531, T replaced by G.
Molecular consequence: splice donor variant.
Genome position (GRCh38, 1-based): chr1:109,626,429, T>G. VCF-style: chr1-109626429-T-G. GRCh37 (hg19) VCF-style: chr1-110169051-T-G.
Other names: c.693+2T>G (NM_001257360.1); c.450+2T>G (NM_139156.4); c.468+2T>G (NM_001308170.1); c.531+2T>G (NM_004037.9); c.339+2T>G (NM_001257361.2).
Identifiers: ClinVar variation 429743 (VCV000429743.2), dbSNP rs1131691563, ClinGen allele CA341555295.

ClinVar aggregate classification (germline): Pathogenic (1 of 4 stars; one submission).

Submission:

GeneDx
Classification: Pathogenic. Last evaluated: 2015-09-28. Review status: criteria provided, single submitter. Criteria: GeneDx Variant Classification (06012015). Collection method: clinical testing. Allele origin: germline. Affected: yes.
Comment: The c.693+2T>G substitution in the AMPD2 gene has not been reported previously as a pathogenic variant nor as a benign variant, to our knowledge. This splice site variant destroys the canonical splice donor site in intron 6. It is predicted to cause abnormal gene splicing, either leading to an abnormal message that is subject to nonsense-mediated mRNA decay, or to an abnormal protein product if the message is used for protein translation. The c.693+2T>G variant was not observed in approximately 6500 individuals of European and African American ancestry in the NHLBI Exome Sequencing Project, indicating it is not a common benign variant in these populations. We interpret c.693+2T>C as a pathogenic variant.